The following is an entry in ClinVar:

NM_002474.3(MYH11):c.3963+1G>A

Genes: NDE1 (nudE neurodevelopment protein 1; plus strand), MYH11 (myosin heavy chain 11; minus strand). Cytogenetic location: 16p13.11.
Variant type: single nucleotide variant.
Coding change: c.3963+1G>A on transcript NM_002474.3 (MANE Select); the canonical splice donor site of the intron after coding-DNA position 3963, G replaced by A.
Molecular consequence: splice donor variant. On other transcripts: 3 prime UTR variant (2).
Genome position (GRCh38, 1-based): chr16:15,724,887, C>T on the plus strand (G>A on the coding strand, the complement: MYH11 is on the minus strand). VCF-style: chr16-15724887-C-T. GRCh37 (hg19) VCF-style: chr16-15818744-C-T.
Other names: c.*636C>T (NM_001143979.2, NM_017668.3); c.3963+1G>A (NM_022844.3); c.3984+1G>A (NM_001040114.2, NM_001040113.2).
Identifiers: ClinVar variation 4706769 (VCV004706769.1).

ClinVar aggregate classification (germline): Likely pathogenic (1 of 4 stars; one submission).

Conditions:
Aortic aneurysm, familial thoracic 4 (AAT4). Also called: AORTIC ANEURYSM/AORTIC DISSECTION AND PATENT DUCTUS ARTERIOSUS. Identifiers: MedGen C1851504, MONDO:0007568, OMIM 132900.

gnomAD v4.1: 1 of 1,613,940 alleles (0.000062%); highest among the groups gnomAD compares: South Asian, 0.0011%; no homozygotes.

Submission:

Labcorp Genetics (formerly Invitae), Labcorp
Classification: Likely pathogenic for Aortic aneurysm, familial thoracic 4. Last evaluated: 2025-06-29. Review status: criteria provided, single submitter. Criteria: Invitae Variant Classification Sherloc (09022015). Collection method: clinical testing. Allele origin: germline.
Comment: This sequence change affects a donor splice site in intron 30 of the MYH11 gene. This variant is not present in population databases (gnomAD no frequency). Disruption of this splice site has been observed in individuals with thoracic aortic aneurysm and dissection (PMID: 36517271; internal data). This variant is also known as c.3963+1G>A. Algorithms developed to predict the effect of sequence changes on RNA splicing suggest that this variant may disrupt the consensus splice site. In summary, the currently available evidence indicates that the variant is pathogenic, but additional data are needed to prove that conclusively. Therefore, this variant has been classified as Likely Pathogenic.

Literature cited by the submitters: PubMed 36517271.